The following is an entry in ClinVar:

NM_006280.3(SSR4):c.352-26GCACCTCCCTT[4]

Gene: SSR4 (signal sequence receptor subunit 4; plus strand). Cytogenetic location: Xq28.
Variant type: Microsatellite.
Coding change: c.352-26GCACCTCCCTT[4] on transcript NM_006280.3 (MANE Select); four copies in a row of the 11-base unit GCACCTCCCTT starting at c.352-26.
Molecular consequence: splice acceptor variant.
Genome position: GRCh38 VCF-style: chrX-153798044-A-AGCACCTCCCTTGCACCTCCCTT. GRCh37 (hg19) VCF-style: chrX-153063499-A-AGCACCTCCCTTGCACCTCCCTT.
Other names: c.352-26GCACCTCCCTT[4] (NM_001440796.1); c.433-26GCACCTCCCTT[4] (NM_001440795.1); c.376-26GCACCTCCCTT[4] (NM_001204527.2); c.385-26GCACCTCCCTT[4] (NM_001204526.2).
Identifiers: ClinVar variation 4822077 (VCV004822077.4).

ClinVar aggregate classification (germline): Uncertain significance (1 of 4 stars; one submission).

Submission:

CeGaT Center for Human Genetics Tuebingen
Classification: Uncertain significance. Last evaluated: 2025-12-01. Review status: criteria provided, single submitter. Criteria: CeGaT Center For Human Genetics Tuebingen Variant Classification Criteria Version 2. Collection method: clinical testing. Allele origin: germline. Affected: yes. Observed: 1 variant allele.
Comment: SSR4: PM2